The following is an entry in ClinVar:

NM_012079.6(DGAT1):c.626T>C (p.Phe209Ser)

Gene: DGAT1 (diacylglycerol O-acyltransferase 1; minus strand). Cytogenetic location: 8q24.3.
Variant type: single nucleotide variant.
Coding change: c.626T>C on transcript NM_012079.6 (MANE Select); coding-DNA position 626, T replaced by C.
Protein change: p.Phe209Ser; replaces phenylalanine 209 with serine.
Molecular consequence: missense variant.
Genome position (GRCh38, 1-based): chr8:144,318,311, A>G on the plus strand (T>C on the coding strand, the complement: DGAT1 is on the minus strand). VCF-style: chr8-144318311-A-G. GRCh37 (hg19) VCF-style: chr8-145541974-A-G.
Other names: short protein forms F209S.
Identifiers: ClinVar variation 1011820 (VCV001011820.3), dbSNP rs142970193, ClinGen allele CA4936945.

ClinVar aggregate classification (germline): Uncertain significance. Review status: criteria provided, multiple submitters, no conflicts (2 of 4 stars). 2 submissions from 2 submitters: Uncertain significance (2). Last evaluated 2023-09-29.

Allele frequency attached by ClinVar (database versions not stated): gnomAD 0.00001; gnomAD exomes 0.00002 and 0.00003; TOPMed 0.00002; ExAC 0.00006; ESP Exome Variant Server 0.00015.

Submissions (2):

Blueprint Genetics
Classification: Uncertain significance. Last evaluated: 2023-09-29. Review status: criteria provided, single submitter. Criteria: ACMG Guidelines, 2015. Collection method: clinical testing. Allele origin: germline.

Labcorp Genetics (formerly Invitae), Labcorp
Classification: Uncertain significance. Last evaluated: 2022-09-27. Review status: criteria provided, single submitter. Criteria: Invitae Variant Classification Sherloc (09022015). Collection method: clinical testing. Allele origin: germline.
Comment: This sequence change replaces phenylalanine, which is neutral and non-polar, with serine, which is neutral and polar, at codon 209 of the DGAT1 protein (p.Phe209Ser). This variant is present in population databases (rs142970193, gnomAD 0.007%). This variant has not been reported in the literature in individuals affected with DGAT1-related conditions. ClinVar contains an entry for this variant (Variation ID: 1011820). Advanced modeling of protein sequence and biophysical properties (such as structural, functional, and spatial information, amino acid conservation, physicochemical variation, residue mobility, and thermodynamic stability) performed at Invitae indicates that this missense variant is not expected to disrupt DGAT1 protein function. In summary, the available evidence is currently insufficient to determine the role of this variant in disease. Therefore, it has been classified as a Variant of Uncertain Significance.